The following is an entry in ClinVar:

NM_032228.6(FAR1):c.1465G>A (p.Ala489Thr)

Gene: FAR1 (fatty acyl-CoA reductase 1; plus strand). Cytogenetic location: 11p15.3.
Variant type: single nucleotide variant.
Coding change: c.1465G>A on transcript NM_032228.6 (MANE Select); coding-DNA position 1465, G replaced by A.
Protein change: p.Ala489Thr; replaces alanine 489 with threonine.
Molecular consequence: missense variant.
Genome position (GRCh38, 1-based): chr11:13,728,691, G>A. VCF-style: chr11-13728691-G-A. GRCh37 (hg19) VCF-style: chr11-13750238-G-A.
Other names: short protein forms A489T.
Identifiers: ClinVar variation 1492105 (VCV001492105.8), dbSNP rs2134204248, ClinGen allele CA379859434.

ClinVar aggregate classification (germline): Uncertain significance (1 of 4 stars; one submission).

Submission:

Labcorp Genetics (formerly Invitae), Labcorp
Classification: Uncertain significance. Last evaluated: 2022-07-19. Review status: criteria provided, single submitter. Criteria: Invitae Variant Classification Sherloc (09022015). Collection method: clinical testing. Allele origin: germline.
Comment: In summary, the available evidence is currently insufficient to determine the role of this variant in disease. Therefore, it has been classified as a Variant of Uncertain Significance. Algorithms developed to predict the effect of missense changes on protein structure and function are either unavailable or do not agree on the potential impact of this missense change (SIFT: "Deleterious"; PolyPhen-2: "Benign"; Align-GVGD: "Class C0"). ClinVar contains an entry for this variant (Variation ID: 1492105). This variant has not been reported in the literature in individuals affected with FAR1-related conditions. This variant is not present in population databases (gnomAD no frequency). This sequence change replaces alanine, which is neutral and non-polar, with threonine, which is neutral and polar, at codon 489 of the FAR1 protein (p.Ala489Thr).